The following is an entry in ClinVar:

ClinVar aggregate classification (germline): Uncertain significance (0 of 4 stars; one submission).

Conditions:
PLXNA3-related disorder. Also called: PLXNA3-related condition.

gnomAD v4.1: 1 of 1,196,821 alleles (0.000084%); highest among the groups gnomAD compares: Admixed American, 0.0022%; no homozygotes.

Submission:

PreventionGenetics, part of Exact Sciences
Classification: Uncertain significance for PLXNA3-related condition. Last evaluated: 2024-08-20. Review status: no assertion criteria provided. Collection method: clinical testing. Allele origin: germline.
Comment: The PLXNA3 c.421T>C variant is predicted to result in the amino acid substitution p.Tyr141His. To our knowledge, this variant has not been reported in the literature or in a large population database, indicating this variant is rare. At this time, the clinical significance of this variant is uncertain due to the absence of conclusive functional and genetic evidence.

NM_017514.5(PLXNA3):c.421T>C (p.Tyr141His)

Gene: PLXNA3 (plexin A3; plus strand). Cytogenetic location: Xq28.
Variant type: single nucleotide variant.
Coding change: c.421T>C on transcript NM_017514.5 (MANE Select); coding-DNA position 421, T replaced by C.
Protein change: p.Tyr141His; replaces tyrosine 141 with histidine.
Molecular consequence: missense variant.
Genome position (GRCh38, 1-based): chrX:154,460,604, T>C. VCF-style: chrX-154460604-T-C. GRCh37 (hg19) VCF-style: chrX-153688944-T-C.
Other names: short protein forms Y141H.
Identifiers: ClinVar variation 3357593 (VCV003357593.1).